The following is an entry in ClinVar:

NM_000059.4(BRCA2):c.4574A>T (p.His1525Leu)

Gene: BRCA2 (BRCA2 DNA repair associated; plus strand). Cytogenetic location: 13q13.1.
Variant type: single nucleotide variant.
Coding change: c.4574A>T on transcript NM_000059.4 (MANE Select); coding-DNA position 4574, A replaced by T.
Protein change: p.His1525Leu; replaces histidine 1525 with leucine.
Molecular consequence: missense variant.
Genome position (GRCh38, 1-based): chr13:32,338,929, A>T. VCF-style: chr13-32338929-A-T. GRCh37 (hg19) VCF-style: chr13-32913066-A-T.
Other names: short protein forms H1525L.
Identifiers: ClinVar variation 838870 (VCV000838870.19), dbSNP rs397507336, ClinGen allele CA387781880.

ClinVar aggregate classification (germline): Conflicting classifications of pathogenicity. Review status: criteria provided, conflicting classifications (1 of 4 stars). 8 submissions from 8 submitters: Uncertain significance (7); Likely benign (1). Last evaluated 2025-11-22.

Conditions:
Hereditary breast ovarian cancer syndrome. Also called: BRCA1- and BRCA2-Associated Hereditary Breast and Ovarian Cancer; Breast and ovarian cancer; Hereditary breast and ovarian cancer syndrome (HBOC); Hereditary breast and ovarian cancer syndrome; Hereditary breast and ovarian cancer; Hereditary breast and/or ovarian cancer syndrome. Identifiers: Orphanet 145, MedGen C0677776, MeSH D061325, MONDO:0003582. Disease mechanism: loss of function.
Hereditary cancer-predisposing syndrome. Also called: Hereditary Cancer Syndrome; Neoplastic Syndromes, Hereditary; Hereditary neoplastic syndrome; Tumor predisposition. Identifiers: Orphanet 140162, MedGen C0027672, MeSH D009386, MONDO:0015356.
Breast-ovarian cancer, familial, susceptibility to, 2 (BROVCA2). Also called: BRCA2 Hereditary Breast and Ovarian Cancer. Identifiers: Orphanet 145, MedGen C2675520, MONDO:0012933, OMIM 612555. Disease mechanism: loss of function.

gnomAD v4.1: 2 of 1,613,952 alleles (0.00012%); highest among the groups gnomAD compares: African/African-American, 0.0027%; no homozygotes.

Submissions (8):

Labcorp Genetics (formerly Invitae), Labcorp
Classification: Uncertain significance for Hereditary breast ovarian cancer syndrome. Last evaluated: 2025-11-22. Review status: criteria provided, single submitter. Criteria: Invitae Variant Classification Sherloc (09022015). Collection method: clinical testing. Allele origin: germline.
Comment: This sequence change replaces histidine, which is basic and polar, with leucine, which is neutral and non-polar, at codon 1525 of the BRCA2 protein (p.His1525Leu). This variant is not present in population databases (gnomAD no frequency). This missense change has been observed in individual(s) with clinical features of BRCA2-related conditions (PMID: 33067490). ClinVar contains an entry for this variant (Variation ID: 838870). Invitae Evidence Modeling of protein sequence and biophysical properties (such as structural, functional, and spatial information, amino acid conservation, physicochemical variation, residue mobility, and thermodynamic stability) indicates that this missense variant is not expected to disrupt BRCA2 protein function with a negative predictive value of 95%. In summary, the available evidence is currently insufficient to determine the role of this variant in disease. Therefore, it has been classified as a Variant of Uncertain Significance.

Women's Health and Genetics/Laboratory Corporation of America, LabCorp
Classification: Uncertain significance. Last evaluated: 2025-09-19. Review status: criteria provided, single submitter. Criteria: LabCorp Variant Classification Summary - May 2015. Collection method: clinical testing. Allele origin: germline.
Comment: Variant summary: BRCA2 c.4574A>T (p.His1525Leu) results in a non-conservative amino acid change in the encoded protein sequence. Algorithms developed to predict the effect of missense changes on protein structure and function are either unavailable or do not agree on the potential impact of this missense change. The variant was absent in 250536 control chromosomes. The available data on variant occurrences in the general population are insufficient to allow any conclusion about variant significance. c.4574A>T has been observed in individuals affected with breast or ovarian cancer (e.g. Abu-Helalah_2020, Al Ali_2025). However, these reports do not provide unequivocal conclusions about association of the variant with Hereditary Breast And Ovarian Cancer Syndrome. To our knowledge, no experimental evidence demonstrating an impact on protein function has been reported. The following publications have been ascertained in the context of this evaluation (PMID: 33067490, 40257527). ClinVar contains an entry for this variant (Variation ID: 838870). Based on the evidence outlined above, the variant was classified as uncertain significance.

Ambry Genetics
Classification: Uncertain significance for Hereditary cancer-predisposing syndrome. Last evaluated: 2024-10-11. Review status: criteria provided, single submitter. Criteria: Ambry Variant Classification Scheme 2023. Collection method: clinical testing. Allele origin: germline.
Comment: The p.H1525L variant (also known as c.4574A>T), located in coding exon 10 of the BRCA2 gene, results from an A to T substitution at nucleotide position 4574. The histidine at codon 1525 is replaced by leucine, an amino acid with similar properties. This variant was detected in a cohort of 200 Jordanian patients with breast and/or ovarian cancers (Abu-Helalah M et al. Sci Rep, 2020 Oct;10:17573). This variant was also identified in a cohort of 3,579 African males diagnosed with prostate cancer who underwent multi-gene panel testing of 19 DNA repair and cancer predisposition genes (Matejcic M et al. JCO Precis Oncol, 2020 Jan;4:32-43). This amino acid position is not well conserved in available vertebrate species. In addition, the in silico prediction for this alteration is inconclusive. Based on the available evidence, the clinical significance of this variant remains unclear.

All of Us Research Program, National Institutes of Health
Classification: Uncertain significance for Breast-ovarian cancer, familial, susceptibility to, 2. Last evaluated: 2023-05-31. Review status: criteria provided, single submitter. Criteria: ACMG Guidelines, 2015. Collection method: clinical testing. Allele origin: germline. Inheritance: Autosomal dominant inheritance. Observed: 1 variant allele, 1 heterozygote.
Comment: This missense variant replaces histidine with leucine at codon 1525 of the BRCA2 protein. Computational prediction suggests that this variant may not impact protein structure and function (internally defined REVEL score threshold <= 0.5, PMID: 27666373). To our knowledge, functional studies have not been reported for this variant. This variant has not been reported in individuals affected with hereditary cancer in the literature. This variant has not been identified in the general population by the Genome Aggregation Database (gnomAD). The available evidence is insufficient to determine the role of this variant in disease conclusively. Therefore, this variant is classified as a Variant of Uncertain Significance.

This study involves interpretation of variants in research participants for the purpose of population health screening. Participant phenotype was not available at the time of variant classification. Additional details can be found in publication PMID: 35346344, PMCID: PMC8962531

University of Washington Department of Laboratory Medicine, University of Washington
Classification: Likely benign for Hereditary cancer-predisposing syndrome. Last evaluated: 2023-03-23. Review status: criteria provided, single submitter. Criteria: Dines et al. (Genet Med. 2020). Collection method: curation. Allele origin: germline.
Comment: Missense variant in a coldspot region where missense variants are very unlikely to be pathogenic (PMID:31911673).

BRCA2 exon 11 coldspot. Reclassification based on statistical prior probability.

Blueprint Genetics
Classification: Uncertain significance. Last evaluated: 2022-02-11. Review status: criteria provided, single submitter. Criteria: ACMG Guidelines, 2015. Collection method: clinical testing. Allele origin: germline.

Color Diagnostics, LLC DBA Color Health
Classification: Uncertain significance for Hereditary cancer-predisposing syndrome. Last evaluated: 2020-08-19. Review status: criteria provided, single submitter. Criteria: ACMG Guidelines, 2015. Collection method: clinical testing. Allele origin: germline.
Comment: This missense variant replaces histidine with leucine at codon 1525 of the BRCA2 protein. Computational prediction suggests that this variant may not impact protein structure and function (internally defined REVEL score threshold <= 0.5, PMID: 27666373). To our knowledge, functional studies have not been reported for this variant. This variant has not been reported in individuals affected with hereditary cancer in the literature. This variant has not been identified in the general population by the Genome Aggregation Database (gnomAD). The available evidence is insufficient to determine the role of this variant in disease conclusively. Therefore, this variant is classified as a Variant of Uncertain Significance.

GeneDx
Classification: Uncertain significance. Last evaluated: 2019-05-28. Review status: criteria provided, single submitter. Criteria: GeneDx Variant Classification Process June 2021. Collection method: clinical testing. Allele origin: germline. Affected: yes.
Comment: Not observed in large population cohorts (Lek et al., 2016); In silico analysis, which includes protein predictors and evolutionary conservation, supports a deleterious effect; Has not been previously published as pathogenic or benign to our knowledge; This variant is associated with the following publications: (PMID: 33067490)

Literature cited by the submitters: PubMed 33067490 (cited by 3 submitters); PubMed 40257527 (cited by Women's Health and Genetics/Laboratory Corporation of America, LabCorp); PubMed 32832836 (cited by Ambry Genetics).